The following is an entry in ClinVar:

ClinVar aggregate classification (germline): Uncertain significance (1 of 4 stars; one submission).

Allele frequency attached by ClinVar (database versions not stated): ExAC 0.00001; gnomAD exomes 0.00001; TOPMed 0.00004; gnomAD 0.00005.

Submission:

Labcorp Genetics (formerly Invitae), Labcorp
Classification: Uncertain significance. Last evaluated: 2024-12-09. Review status: criteria provided, single submitter. Criteria: Invitae Variant Classification Sherloc (09022015). Collection method: clinical testing. Allele origin: germline.
Comment: This sequence change replaces alanine, which is neutral and non-polar, with serine, which is neutral and polar, at codon 954 of the ZNF335 protein (p.Ala954Ser). This variant is present in population databases (rs757562224, gnomAD 0.02%). This variant has not been reported in the literature in individuals affected with ZNF335-related conditions. ClinVar contains an entry for this variant (Variation ID: 1928462). Invitae Evidence Modeling of protein sequence and biophysical properties (such as structural, functional, and spatial information, amino acid conservation, physicochemical variation, residue mobility, and thermodynamic stability) indicates that this missense variant is not expected to disrupt ZNF335 protein function with a negative predictive value of 80%. In summary, the available evidence is currently insufficient to determine the role of this variant in disease. Therefore, it has been classified as a Variant of Uncertain Significance.

NM_022095.4(ZNF335):c.2860G>T (p.Ala954Ser)

Gene: ZNF335 (zinc finger protein 335; minus strand). Cytogenetic location: 20q13.12.
Variant type: single nucleotide variant.
Coding change: c.2860G>T on transcript NM_022095.4 (MANE Select); coding-DNA position 2860, G replaced by T.
Protein change: p.Ala954Ser; replaces alanine 954 with serine.
Molecular consequence: missense variant.
Genome position (GRCh38, 1-based): chr20:45,952,476, C>A on the plus strand (G>T on the coding strand, the complement: ZNF335 is on the minus strand). VCF-style: chr20-45952476-C-A. GRCh37 (hg19) VCF-style: chr20-44581115-C-A.
Other names: short protein forms A954S.
Identifiers: ClinVar variation 1928462 (VCV001928462.4), dbSNP rs757562224, ClinGen allele CA9885220.